The following is an entry in ClinVar:

ClinVar aggregate classification (germline): Benign (1 of 4 stars; one submission).

Submission:

Women's Health and Genetics/Laboratory Corporation of America, LabCorp
Classification: Benign. Last evaluated: 2020-12-22. Review status: criteria provided, single submitter. Criteria: LabCorp Variant Classification Summary - May 2015. Collection method: clinical testing. Allele origin: germline.
Comment: Variant summary: BRAF c.2128-16delinsTCT alters a non-conserved nucleotide located close to a canonical splice site and therefore could affect mRNA splicing, leading to a significantly altered protein sequence. 4/4 computational tools predict no significant impact on normal splicing. However, these predictions have yet to be confirmed by functional studies. The variant was absent in 159536 control chromosomes (gnomAD), however the variant is located to a highly polymorphic poly-T region, where several similar variants occur with a high allele frequency, suggesting that this variant could be a benign polymorphism. To our knowledge, no occurrence of c.2128-16delinsTCT in individuals affected with Cardiofaciocutaneous Syndrome and no experimental evidence demonstrating its impact on protein function have been reported. No clinical diagnostic laboratories have submitted clinical-significance assessments for this variant to ClinVar after 2014. Based on the evidence outlined above, the variant was classified as benign.

NM_004333.6(BRAF):c.2128-16delinsTCT

Gene: BRAF (B-Raf proto-oncogene, serine/threonine kinase; minus strand). Cytogenetic location: 7q34.
Variant type: Indel.
Coding change: c.2128-16delinsTCT on transcript NM_004333.6 (MANE Select); 16 bases into the intron before coding-DNA position 2128, C replaced by TCT.
Molecular consequence: intron variant.
Genome position (GRCh38, 1-based): chr7:140,734,786, G replaced by AGA on the plus strand (C replaced by TCT on the coding strand, the reverse complement: BRAF is on the minus strand). VCF-style: chr7-140734786-G-AGA. GRCh37 (hg19) VCF-style: chr7-140434586-G-AGA.
Other names: c.2127+5026delinsTCT (NM_001378474.1, NM_001378468.1); c.2026-16delinsTCT (NM_001378470.1); c.1864-16delinsTCT (NM_001378475.1); c.2017-16delinsTCT (NM_001378471.1); c.2128-16delinsTCT (NM_001354609.2); c.2248-16delinsTCT (NM_001374258.1, NM_001374244.1); c.2137-16delinsTCT (NM_001378467.1); c.1972-16delinsTCT (NM_001378472.1, NM_001378473.1); and 1 more.
Identifiers: ClinVar variation 992268 (VCV000992268.1), dbSNP rs1796250484, ClinGen allele CA1139660283.